The following is an entry in ClinVar:

NM_002471.4(MYH6):c.2429+3G>A

Gene: MYH6 (myosin heavy chain 6; minus strand). Cytogenetic location: 14q11.2.
Variant type: single nucleotide variant.
Coding change: c.2429+3G>A on transcript NM_002471.4 (MANE Select); 3 bases into the intron after coding-DNA position 2429, G replaced by A.
Molecular consequence: intron variant.
Genome position (GRCh38, 1-based): chr14:23,396,281, C>T on the plus strand (G>A on the coding strand, the complement: MYH6 is on the minus strand). VCF-style: chr14-23396281-C-T. GRCh37 (hg19) VCF-style: chr14-23865490-C-T.
Identifiers: ClinVar variation 3876437 (VCV003876437.1).

ClinVar aggregate classification (germline): Uncertain significance (1 of 4 stars; one submission).

Conditions:
Cardiovascular phenotype. Identifiers: MedGen CN230736.

Submission:

Ambry Genetics
Classification: Uncertain significance for Cardiovascular phenotype. Last evaluated: 2025-01-09. Review status: criteria provided, single submitter. Criteria: Ambry Variant Classification Scheme 2023. Collection method: clinical testing. Allele origin: germline.
Comment: The c.2429+3G>A intronic variant results from a G to A substitution 3 nucleotides after coding exon 18 in the MYH6 gene. This nucleotide position is well conserved in available vertebrate species. In silico splice site analysis predicts that this alteration will not have any significant effect on splicing. Based on the available evidence, the clinical significance of this variant remains unclear.